The following is an entry in ClinVar:

ClinVar aggregate classification (germline): Likely benign (0 of 4 stars; one submission).

Conditions:
PTPRQ-related disorder. Also called: PTPRQ-related condition.

gnomAD v4.1: 3 of 1,550,962 alleles (0.00019%); highest among the groups gnomAD compares: South Asian, 0.0012%; no homozygotes.

Submission:

PreventionGenetics, part of Exact Sciences
Classification: Likely benign for PTPRQ-related condition. Last evaluated: 2023-05-05. Review status: no assertion criteria provided. Collection method: clinical testing. Allele origin: germline.
Comment: This variant is classified as likely benign based on ACMG/AMP sequence variant interpretation guidelines (Richards et al. 2015 PMID: 25741868, with internal and published modifications).

NM_001145026.2(PTPRQ):c.4500A>G (p.Thr1500=)

Gene: PTPRQ (protein tyrosine phosphatase receptor type Q; plus strand). Cytogenetic location: 12q21.31.
Variant type: single nucleotide variant.
Coding change: c.4500A>G on transcript NM_001145026.2 (MANE Select); coding-DNA position 4500, A replaced by G.
Protein change: p.Thr1500=; no amino-acid change (threonine 1500 retained).
Molecular consequence: synonymous variant.
Genome position (GRCh38, 1-based): chr12:80,588,343, A>G. VCF-style: chr12-80588343-A-G. GRCh37 (hg19) VCF-style: chr12-80982122-A-G.
Identifiers: ClinVar variation 3356931 (VCV003356931.1).